The following is an entry in ClinVar:

ClinVar aggregate classification (germline): Uncertain significance (1 of 4 stars; one submission).

gnomAD v4.1: 13 of 1,609,300 alleles (0.00081%); highest among the groups gnomAD compares: Non-Finnish European, 0.0011%; no homozygotes.

Submission:

GeneDx
Classification: Uncertain significance. Last evaluated: 2025-06-05. Review status: criteria provided, single submitter. Criteria: GeneDx Variant Classification Process June 2021. Collection method: clinical testing. Allele origin: germline. Affected: yes.
Comment: Not observed at significant frequency in large population cohorts (gnomAD); In silico analysis supports a deleterious effect on splicing; Has not been previously published as pathogenic or benign to our knowledge; Located in a regulatory region; in the absence of functional studies, the actual effect of this sequence change is unknown

NM_001492.6(GDF1):c.-913-1G>A

Genes: GDF1 (growth differentiation factor 1; minus strand), CERS1 (ceramide synthase 1; minus strand). Cytogenetic location: 19p13.11.
Variant type: single nucleotide variant.
Coding change: c.-913-1G>A on transcript NM_001492.6 (MANE Select); the canonical splice acceptor site of the intron before 913 bases upstream of the start codon, G replaced by A.
Molecular consequence: splice acceptor variant.
Genome position (GRCh38, 1-based): chr19:18,884,268, C>T on the plus strand (G>A on the coding strand, the complement: GDF1 is on the minus strand). VCF-style: chr19-18884268-C-T. GRCh37 (hg19) VCF-style: chr19-18995077-C-T.
Other names: c.410-1G>A (NM_021267.5, NM_001387440.1, NM_001387441.1 and 2 more transcripts); c.116-1G>A (NM_001387443.1, NM_001387442.1, NM_001290265.2 and 2 more transcripts); c.-493-1G>A (NM_001387438.1).
Identifiers: ClinVar variation 4536527 (VCV004536527.1).